The following is an entry in ClinVar:

NM_001379200.1(TBX1):c.711+1G>A

Gene: TBX1 (T-box transcription factor 1; plus strand). Cytogenetic location: 22q11.21.
Variant type: single nucleotide variant.
Coding change: c.711+1G>A on transcript NM_001379200.1 (MANE Select); the canonical splice donor site of the intron after coding-DNA position 711, G replaced by A.
Molecular consequence: splice donor variant.
Genome position (GRCh38, 1-based): chr22:19,764,327, G>A. VCF-style: chr22-19764327-G-A. GRCh37 (hg19) VCF-style: chr22-19751850-G-A.
Other names: c.684+1G>A (NM_005992.1, NM_080646.2, NM_080647.1).
Identifiers: ClinVar variation 1481145 (VCV001481145.11), dbSNP rs1731409120, ClinGen allele CA410683197.

ClinVar aggregate classification (germline): Pathogenic/Likely pathogenic. Review status: criteria provided, multiple submitters, no conflicts (2 of 4 stars). 4 submissions from 4 submitters: Pathogenic (1); Likely pathogenic (3). Last evaluated 2025-04-27.

Conditions:
TBX1-related disorder. Also called: TBX1-Related Disorders; TBX1-related condition.
DiGeorge syndrome. Also called: THIRD AND FOURTH PHARYNGEAL POUCH SYNDROME; Catch22. Identifiers: Orphanet 567, MedGen C0012236, MONDO:0008564, OMIM 188400.

Allele frequency attached by ClinVar (database versions not stated): TOPMed below 0.00001.

Submissions (4):

Labcorp Genetics (formerly Invitae), Labcorp
Classification: Likely pathogenic for DiGeorge syndrome. Last evaluated: 2025-04-27. Review status: criteria provided, single submitter. Criteria: Invitae Variant Classification Sherloc (09022015). Collection method: clinical testing. Allele origin: germline.
Comment: This sequence change affects a donor splice site in intron 5 of the TBX1 gene. It is expected to disrupt RNA splicing. Variants that disrupt the donor or acceptor splice site typically lead to a loss of protein function (PMID: 16199547), and loss-of-function variants in TBX1 are known to be pathogenic (PMID: 25860641, 29500247). This variant is not present in population databases (gnomAD no frequency). This variant has not been reported in the literature in individuals affected with TBX1-related conditions. ClinVar contains an entry for this variant (Variation ID: 1481145). Algorithms developed to predict the effect of sequence changes on RNA splicing suggest that this variant may disrupt the consensus splice site. In summary, the currently available evidence indicates that the variant is pathogenic, but additional data are needed to prove that conclusively. Therefore, this variant has been classified as Likely Pathogenic.

Women's Health and Genetics/Laboratory Corporation of America, LabCorp
Classification: Likely pathogenic for TBX1-Related Disorders. Last evaluated: 2024-09-18. Review status: criteria provided, single submitter. Criteria: LabCorp Variant Classification Summary - May 2015. Collection method: clinical testing. Allele origin: germline.
Comment: Variant summary: TBX1 c.684+1G>A is located in a canonical splice-site and is predicted to affect mRNA splicing resulting in a significantly altered protein due to either exon skipping, shortening, or inclusion of intronic material. Variants that disrupt the consensus splice site are a relatively common cause of aberrant splicing and loss of TBX1 function. The variant was absent in 247298 control chromosomes. To our knowledge, no occurrence of c.684+1G>A in individuals affected with TBX1-Related Disorders and no experimental evidence demonstrating its impact on protein function have been reported. ClinVar contains an entry for this variant (Variation ID: 1481145). Based on the evidence outlined above, the variant was classified as likely pathogenic.

Blueprint Genetics
Classification: Likely pathogenic for TBX1-related disorders. Last evaluated: 2022-10-25. Review status: criteria provided, single submitter. Criteria: ACMG Guidelines, 2015. Collection method: clinical testing. Allele origin: germline. Affected: yes. Observed: 2 variant alleles.

Institute of Human Genetics, University of Leipzig Medical Center
Classification: Pathogenic for DiGeorge syndrome. Last evaluated: 2022-06-17. Review status: criteria provided, single submitter. Criteria: ACMG Guidelines, 2015. Collection method: clinical testing. Allele origin: de novo. Inheritance: Autosomal dominant inheritance. Affected: yes.
Comment: Criteria applied: PVS1,PS2_SUP,PS4_SUP,PM2_SUP

Literature cited by the submitters: PubMed 16199547 (cited by Labcorp Genetics (formerly Invitae), Labcorp); PubMed 25860641 (cited by Labcorp Genetics (formerly Invitae), Labcorp); PubMed 29500247 (cited by Labcorp Genetics (formerly Invitae), Labcorp).